The following is an entry in ClinVar:

NM_001845.6(COL4A1):c.3126C>G (p.Asp1042Glu)

Gene: COL4A1 (collagen type IV alpha 1 chain; minus strand). Cytogenetic location: 13q34.
Variant type: single nucleotide variant.
Coding change: c.3126C>G on transcript NM_001845.6 (MANE Select); coding-DNA position 3126, C replaced by G.
Protein change: p.Asp1042Glu; replaces aspartic acid 1042 with glutamic acid.
Molecular consequence: missense variant.
Genome position (GRCh38, 1-based): chr13:110,175,290, G>C on the plus strand (C>G on the coding strand, the complement: COL4A1 is on the minus strand). VCF-style: chr13-110175290-G-C. GRCh37 (hg19) VCF-style: chr13-110827637-G-C.
Other names: short protein forms D1042E.
Identifiers: ClinVar variation 2717155 (VCV002717155.3), dbSNP rs2501773155, ClinGen allele CA388665556.

ClinVar aggregate classification (germline): Uncertain significance (1 of 4 stars; one submission).

Submission:

Labcorp Genetics (formerly Invitae), Labcorp
Classification: Uncertain significance. Last evaluated: 2025-05-05. Review status: criteria provided, single submitter. Criteria: Invitae Variant Classification Sherloc (09022015). Collection method: clinical testing. Allele origin: germline.
Comment: This sequence change replaces aspartic acid, which is acidic and polar, with glutamic acid, which is acidic and polar, at codon 1042 of the COL4A1 protein (p.Asp1042Glu). This variant is not present in population databases (gnomAD no frequency). This variant has not been reported in the literature in individuals affected with COL4A1-related conditions. ClinVar contains an entry for this variant (Variation ID: 2717155). Invitae Evidence Modeling of protein sequence and biophysical properties (such as structural, functional, and spatial information, amino acid conservation, physicochemical variation, residue mobility, and thermodynamic stability) indicates that this missense variant is not expected to disrupt COL4A1 protein function with a negative predictive value of 95%. In summary, the available evidence is currently insufficient to determine the role of this variant in disease. Therefore, it has been classified as a Variant of Uncertain Significance.